The following is an entry in ClinVar:

NM_001294.4(CLPTM1):c.73-5C>A

Gene: CLPTM1 (CLPTM1 regulator of GABA type A receptor forward trafficking; plus strand). Cytogenetic location: 19q13.32.
Variant type: single nucleotide variant.
Coding change: c.73-5C>A on transcript NM_001294.4 (MANE Select); 5 bases into the intron before coding-DNA position 73, C replaced by A.
Molecular consequence: intron variant.
Genome position (GRCh38, 1-based): chr19:44,961,958, C>A. VCF-style: chr19-44961958-C-A. GRCh37 (hg19) VCF-style: chr19-45465215-C-A.
Other names: c.-234-5C>A (NM_001282176.2); c.31-5C>A (NM_001282175.2).
Identifiers: ClinVar variation 3054496 (VCV003054496.2), dbSNP rs768475727, ClinGen allele CA9506716.

ClinVar aggregate classification (germline): Likely benign (0 of 4 stars; one submission).

Conditions:
CLPTM1-related disorder. Also called: CLPTM1-related condition.

Allele frequency attached by ClinVar (database versions not stated): TOPMed 0.00017; ExAC 0.00020.
gnomAD v4.1: 95 of 1,596,808 alleles (0.0059%); highest among the groups gnomAD compares: Admixed American, 0.15%; no homozygotes.

Submission:

PreventionGenetics, part of Exact Sciences
Classification: Likely benign for CLPTM1-related condition. Last evaluated: 2021-07-01. Review status: no assertion criteria provided. Collection method: clinical testing. Allele origin: germline.
Comment: This variant is classified as likely benign based on ACMG/AMP sequence variant interpretation guidelines (Richards et al. 2015 PMID: 25741868, with internal and published modifications).